The following is an entry in ClinVar:

ClinVar aggregate classification (germline): Conflicting classifications of pathogenicity. Review status: criteria provided, conflicting classifications (1 of 4 stars). 5 submissions from 5 submitters: Uncertain significance (4); Likely benign (1). Last evaluated 2026-01-18.

Conditions:
Inborn genetic diseases. Identifiers: MedGen C0950123, MeSH D030342.
Pancytopenia-developmental delay syndrome. Also called: Bone marrow failure syndrome 2. Identifiers: Orphanet 401764, MedGen C3810350, MONDO:0014317, OMIM 615715.

Allele frequency attached by ClinVar (database versions not stated): gnomAD exomes 0.00015 and 0.00032; TOPMed 0.00134; ExAC 0.00040; 1000 Genomes Project 0.00120; gnomAD 0.00140 and 0.00148; ESP Exome Variant Server 0.00123; 1000 Genomes Project 30x 0.00172.
gnomAD v4.1: 427 of 1,614,048 alleles (0.026%); highest among the groups gnomAD compares: African/African-American, 0.49%; 1 homozygote.

Submissions (5):

Labcorp Genetics (formerly Invitae), Labcorp
Classification: Likely benign. Last evaluated: 2026-01-18. Review status: criteria provided, single submitter. Criteria: Invitae Variant Classification Sherloc (09022015). Collection method: clinical testing. Allele origin: germline.

Blueprint Genetics
Classification: Uncertain significance. Last evaluated: 2024-08-06. Review status: criteria provided, single submitter. Criteria: ACMG Guidelines, 2015. Collection method: clinical testing. Allele origin: germline.

Ambry Genetics
Classification: Uncertain significance for Inborn genetic diseases. Last evaluated: 2023-02-10. Review status: criteria provided, single submitter. Criteria: Ambry Variant Classification Scheme 2023. Collection method: clinical testing. Allele origin: germline.

GeneDx
Classification: Uncertain significance. Last evaluated: 2021-08-06. Review status: criteria provided, single submitter. Criteria: GeneDx Variant Classification Process June 2021. Collection method: clinical testing. Allele origin: germline. Affected: yes.
Comment: Has not been previously published as pathogenic or benign to our knowledge; In silico analysis supports that this missense variant does not alter protein structure/function

Baylor Genetics
Classification: Uncertain significance for Pancytopenia-developmental delay syndrome. Last evaluated: 2018-08-21. Review status: criteria provided, single submitter. Criteria: ACMG Guidelines, 2015. Collection method: clinical testing. Allele origin: unknown. Affected: yes.
Comment: This variant was determined to be of uncertain significance according to ACMG Guidelines, 2015 [PMID:25741868].

NM_020207.7(ERCC6L2):c.163T>G (p.Leu55Val)

Gene: ERCC6L2 (ERCC excision repair 6 like 2; plus strand). Cytogenetic location: 9q22.32.
Variant type: single nucleotide variant.
Coding change: c.163T>G on transcript NM_020207.7 (MANE Select); coding-DNA position 163, T replaced by G.
Protein change: p.Leu55Val; replaces leucine 55 with valine.
Molecular consequence: missense variant. On other transcripts: non-coding transcript variant (1).
Genome position (GRCh38, 1-based): chr9:95,880,985, T>G. VCF-style: chr9-95880985-T-G. GRCh37 (hg19) VCF-style: chr9-98643267-T-G.
Other names: c.163T>G, p.Leu55Val (NM_001010895.4, NM_001375291.1, NM_001375292.1 and 2 more transcripts); short protein forms L55V.
Identifiers: ClinVar variation 1034369 (VCV001034369.15), dbSNP rs141719745, ClinGen allele CA5139252.